The following is an entry in ClinVar:

NM_020693.4(DSCAML1):c.5992G>A (p.Ala1998Thr)

Gene: DSCAML1 (DS cell adhesion molecule like 1; minus strand). Cytogenetic location: 11q23.3.
Variant type: single nucleotide variant.
Coding change: c.5992G>A on transcript NM_020693.4 (MANE Select); coding-DNA position 5992, G replaced by A.
Protein change: p.Ala1998Thr; replaces alanine 1998 with threonine.
Molecular consequence: missense variant.
Genome position (GRCh38, 1-based): chr11:117,428,498, C>T on the plus strand (G>A on the coding strand, the complement: DSCAML1 is on the minus strand). VCF-style: chr11-117428498-C-T. GRCh37 (hg19) VCF-style: chr11-117299214-C-T.
Other names: short protein forms A1998T.
Identifiers: ClinVar variation 1412319 (VCV001412319.6), dbSNP rs769222169, ClinGen allele CA6295904.
Genomic context (GRCh38, chr11:117,428,498, plus strand): 5'-TGTGTGGGCCCCCGGCTCGTGGAGGCTCGGTGCTGGGGGCCGGAGGGGCAGCGCTGGGGG[C>T]GGTGGGTGGCTCAGCAGGGGTGGGGCCGGGGGCTGGGGGGGCTGTGCCGGCTGGGGGGGC-3'
Protein context (NP_065744.3, residues 1988-2008): PGPTPAEPPT[Ala1998Thr]PSAAPPAPST

ClinVar aggregate classification (germline): Uncertain significance (1 of 4 stars; one submission).

Allele frequency attached by ClinVar (database versions not stated): gnomAD exomes 0.00002 and 0.00005; ExAC 0.00004; gnomAD 0.00005.
gnomAD v4.1: 23 of 1,137,210 alleles (0.002%); highest among the groups gnomAD compares: East Asian, 0.02%; no homozygotes.

Submission:

Labcorp Genetics (formerly Invitae), Labcorp
Classification: Uncertain significance. Last evaluated: 2025-07-31. Review status: criteria provided, single submitter. Criteria: Invitae Variant Classification Sherloc (09022015). Collection method: clinical testing. Allele origin: germline.
Comment: This sequence change replaces alanine, which is neutral and non-polar, with threonine, which is neutral and polar, at codon 2058 of the DSCAML1 protein (p.Ala2058Thr). The frequency data for this variant in the population databases is considered unreliable, as metrics indicate poor data quality at this position in the gnomAD database. This variant has not been reported in the literature in individuals affected with DSCAML1-related conditions. ClinVar contains an entry for this variant (Variation ID: 1412319). An algorithm developed to predict the effect of missense changes on protein structure and function (PolyPhen-2) suggests that this variant is likely to be tolerated. In summary, the available evidence is currently insufficient to determine the role of this variant in disease. Therefore, it has been classified as a Variant of Uncertain Significance.